The following is an entry in ClinVar:

NM_005982.4(SIX1):c.*334C>G

Gene: SIX1 (SIX homeobox 1; minus strand). Cytogenetic location: 14q23.1.
Variant type: single nucleotide variant.
Coding change: c.*334C>G on transcript NM_005982.4 (MANE Select); 334 bases downstream of the stop codon, C replaced by G.
Molecular consequence: 3 prime UTR variant.
Genome position (GRCh38, 1-based): chr14:60,645,949, G>C on the plus strand (C>G on the coding strand, the complement: SIX1 is on the minus strand). VCF-style: chr14-60645949-G-C. GRCh37 (hg19) VCF-style: chr14-61112667-G-C.
Identifiers: ClinVar variation 313459 (VCV000313459.6), dbSNP rs10144415, ClinGen allele CA10645539.

ClinVar aggregate classification (germline): Benign. Review status: criteria provided, multiple submitters, no conflicts (2 of 4 stars). 3 submissions from 2 submitters: Benign (3). Last evaluated 2018-01-12.

Conditions:
Branchiootic syndrome 3 (BOS3). Also called: BO SYNDROME 3. Identifiers: MedGen C1842124, MONDO:0012025, OMIM 608389.
Autosomal dominant nonsyndromic hearing loss 23. Identifiers: Orphanet 90635, MedGen C1854594, MONDO:0011519, OMIM 605192.

Allele frequency attached by ClinVar (database versions not stated): 1000 Genomes Project 30x 0.77077; 1000 Genomes Project 0.77117; TOPMed 0.82189; gnomAD 0.83191 and 0.83338; gnomAD exomes 0.87878.

Submissions (3):

Illumina Laboratory Services, Illumina
Classification: Benign for Branchiootic syndrome 3. Last evaluated: 2018-01-12. Review status: criteria provided, single submitter. Criteria: ICSL Variant Classification Criteria 13 December 2019. Collection method: clinical testing. Allele origin: germline.
Comment: This variant was observed in the ICSL laboratory as part of a predisposition screen in an ostensibly healthy population. It had not been previously curated by ICSL or reported in the Human Gene Mutation Database (HGMD: prior to June 1st, 2018), and was therefore a candidate for classification through an automated scoring system. Utilizing variant allele frequency, disease prevalence and penetrance estimates, and inheritance mode, an automated score was calculated to assess if this variant is too frequent to cause the disease. Based on the score and internal cut-off values, a variant classified as benign is not then subjected to further curation. The score for this variant resulted in a classification of benign for this disease.

Illumina Laboratory Services, Illumina
Classification: Benign for Autosomal dominant nonsyndromic hearing loss 23. Last evaluated: 2018-01-12. Review status: criteria provided, single submitter. Criteria: ICSL Variant Classification Criteria 13 December 2019. Collection method: clinical testing. Allele origin: germline.
Comment: the same text as in the submission from Illumina Laboratory Services, Illumina above.

Breakthrough Genomics
Classification: Benign. Review status: criteria provided, single submitter. Criteria: ACMG Guidelines, 2015. Collection method: not provided. Allele origin: germline. Inheritance: Autosomal dominant inheritance. Affected: yes.